The following is an entry in ClinVar:

ClinVar aggregate classification (germline): Uncertain significance (1 of 4 stars; one submission).

Submission:

Dasa
Classification: Uncertain significance. Last evaluated: 2025-01-06. Review status: criteria provided, single submitter. Criteria: DASA Assertion Criteria. Collection method: clinical testing. Allele origin: germline.
Comment: NM_015425.6(POLR1A):c.1166A>G (p.Asn389Ser) is a missense variant that results in the substitution of asparagine with serine. This variant is rare in population databases. Computational prediction algorithms are consistent with a benign effect. The currently available literature and clinical evidence are not sufficient to establish a definitive association between this variant and the reported condition. Therefore, this variant is classified as a variant of uncertain significance.

NM_015425.6(POLR1A):c.1166A>G (p.Asn389Ser)

Gene: POLR1A (RNA polymerase I subunit A; minus strand). Cytogenetic location: 2p11.2.
Variant type: single nucleotide variant.
Coding change: c.1166A>G on transcript NM_015425.6 (MANE Select); coding-DNA position 1166, A replaced by G.
Protein change: p.Asn389Ser; replaces asparagine 389 with serine.
Molecular consequence: missense variant.
Genome position (GRCh38, 1-based): chr2:86,078,205, T>C on the plus strand (A>G on the coding strand, the complement: POLR1A is on the minus strand). VCF-style: chr2-86078205-T-C. GRCh37 (hg19) VCF-style: chr2-86305328-T-C.
Other names: short protein forms N389S.
Identifiers: ClinVar variation 4882066 (VCV004882066.2).